The following is an entry in ClinVar:

ClinVar aggregate classification (germline): Uncertain significance. Review status: criteria provided, multiple submitters, no conflicts (2 of 4 stars). 3 submissions from 3 submitters: Uncertain significance (2). 1 of the submissions does not count toward it. Last evaluated 2026-03-12.

Conditions:
RPE65-related recessive retinopathy. Also called: Recessive RPE65 retinopathy. Identifiers: MedGen CN305526, MONDO:0100368.

Allele frequency attached by ClinVar (database versions not stated): gnomAD exomes below 0.00001.
gnomAD v4.1: 2 of 1,613,924 alleles (0.00012%); highest among the groups gnomAD compares: South Asian, 0.0011%; no homozygotes.

Submissions (3):

Myriad Genetics, Inc.
Classification: Uncertain significance for RPE65-related recessive retinopathy. Last evaluated: 2026-03-12. Review status: criteria provided, single submitter. Criteria: Myriad Autosomal Dominant, Autosomal Recessive and X-Linked Classification Criteria (2023). Collection method: clinical testing. Allele origin: unknown.
Comment: NM_000329.2(RPE65):c.643+5G>A is an intronic variant classified as a variant of uncertain significance in the context of inherited retinal dystrophy, RPE65-related. c.643+5G>A has been observed in a case with relevant disease (PMID: 11095629). Relevant functional assessments of this variant are available in the literature (PMID: 41009968). c.643+5G>A has not been observed in referenced population frequency databases. In summary, there is insufficient evidence to classify NM_000329.2(RPE65):c.643+5G>A as pathogenic or benign. Please note: this variant was assessed in the context of healthy population screening.

Women's Health and Genetics/Laboratory Corporation of America, LabCorp
Classification: Uncertain significance. Last evaluated: 2022-02-22. Review status: criteria provided, single submitter. Criteria: LabCorp Variant Classification Summary - May 2015. Collection method: clinical testing. Allele origin: germline.
Comment: Variant summary: RPE65 c.643+5G>A alters a conserved nucleotide located close to a canonical splice site and therefore could affect mRNA splicing, leading to a significantly altered protein sequence. Several computational tools predict a significant impact on normal splicing: Three predict the variant weakens a 5' donor site. However, these predictions have yet to be confirmed by functional studies. The variant was absent in 251096 control chromosomes (gnomAD). The available data on variant occurrences in the general population are insufficient to allow any conclusion about variant significance. c.643+5G>A has been reported in the literature in a heterozygous individual affected with inherited retinal degeneration without evidence for causality (example: Thompson_2000). This report does not provide unequivocal conclusions about association of the variant with Leber Congenital Amaurosis. To our knowledge, no experimental evidence demonstrating an impact on protein function has been reported. No clinical diagnostic laboratories have submitted clinical-significance assessments for this variant to ClinVar after 2014. Based on the evidence outlined above, the variant was classified as uncertain significance.

Retina International
No classification provided. Review status: no classification provided. Collection method: not provided. Allele origin: not provided. Not counted in ClinVar's aggregate classification.

Literature cited by the submitters: PubMed 11095629 (cited by Myriad Genetics, Inc. and Women's Health and Genetics/Laboratory Corporation of America, LabCorp); PubMed 41009968 (cited by Myriad Genetics, Inc.).

NM_000329.3(RPE65):c.643+5G>A

Gene: RPE65 (retinoid isomerohydrolase RPE65; minus strand). Cytogenetic location: 1p31.3.
Variant type: single nucleotide variant.
Coding change: c.643+5G>A on transcript NM_000329.3 (MANE Select); 5 bases into the intron after coding-DNA position 643, G replaced by A.
Molecular consequence: intron variant.
Genome position (GRCh38, 1-based): chr1:68,440,848, C>T on the plus strand (G>A on the coding strand, the complement: RPE65 is on the minus strand). VCF-style: chr1-68440848-C-T. GRCh37 (hg19) VCF-style: chr1-68906531-C-T.
Identifiers: ClinVar variation 98882 (VCV000098882.3), dbSNP rs61752890, ClinGen allele CA226569.